The following is an entry in ClinVar:

NM_004006.3(DMD):c.7124A>T (p.Lys2375Ile)

Gene: DMD (dystrophin; minus strand). Cytogenetic location: Xp21.1.
Variant type: single nucleotide variant.
Coding change: c.7124A>T on transcript NM_004006.3 (MANE Select); coding-DNA position 7124, A replaced by T.
Protein change: p.Lys2375Ile; replaces lysine 2375 with isoleucine.
Molecular consequence: missense variant. On other transcripts: 5 prime UTR variant (5).
Genome position (GRCh38, 1-based): chrX:31,836,794, T>A on the plus strand (A>T on the coding strand, the complement: DMD is on the minus strand). VCF-style: chrX-31836794-T-A. GRCh37 (hg19) VCF-style: chrX-31854911-T-A.
Other names: c.7100A>T, p.Lys2367Ile (NM_000109.4); c.7112A>T, p.Lys2371Ile (NM_004009.3); c.6755A>T, p.Lys2252Ile (NM_004010.3); c.3101A>T, p.Lys1034Ile (NM_004011.4); c.3092A>T, p.Lys1031Ile (NM_004012.4); c.-257A>T (NM_004013.3, NM_004020.4, NM_004021.3 and 2 more transcripts); short protein forms K1031I, K1034I, K2371I, K2375I, K2252I, K2367I.
Identifiers: ClinVar variation 1432538 (VCV001432538.8), dbSNP rs760048714, ClinGen allele CA10378335.

ClinVar aggregate classification (germline): Uncertain significance (1 of 4 stars; one submission).

Conditions:
Duchenne muscular dystrophy (DMD). Also called: MUSCULAR DYSTROPHY, PSEUDOHYPERTROPHIC PROGRESSIVE, DUCHENNE TYPE; Duchenne Muscular Dystrophy (DMD). Identifiers: Orphanet 98896, MedGen C0013264, MONDO:0010679, OMIM 310200.

Allele frequency attached by ClinVar (database versions not stated): gnomAD exomes below 0.00001 and 0.00001; ExAC 0.00001.
gnomAD v4.1: 2 of 1,211,434 alleles (0.00017%); highest among the groups gnomAD compares: Non-Finnish European, 0.00022%; no homozygotes.

Submission:

Labcorp Genetics (formerly Invitae), Labcorp
Classification: Uncertain significance for Duchenne muscular dystrophy. Last evaluated: 2021-12-02. Review status: criteria provided, single submitter. Criteria: Invitae Variant Classification Sherloc (09022015). Collection method: clinical testing. Allele origin: germline.
Comment: In summary, the available evidence is currently insufficient to determine the role of this variant in disease. Therefore, it has been classified as a Variant of Uncertain Significance. Algorithms developed to predict the effect of missense changes on protein structure and function are either unavailable or do not agree on the potential impact of this missense change (SIFT: "Deleterious"; PolyPhen-2: "Benign"; Align-GVGD: "Class C25"). This variant has not been reported in the literature in individuals affected with DMD-related conditions. This variant is present in population databases (rs760048714, gnomAD 0.001%). This sequence change replaces lysine, which is basic and polar, with isoleucine, which is neutral and non-polar, at codon 2375 of the DMD protein (p.Lys2375Ile).